The following is an entry in ClinVar:

NM_000310.4(PPT1):c.*1275G>A

Gene: PPT1 (palmitoyl-protein thioesterase 1; minus strand). Cytogenetic location: 1p34.2.
Variant type: single nucleotide variant.
Coding change: c.*1275G>A on transcript NM_000310.4 (MANE Select); 1275 bases downstream of the stop codon, G replaced by A.
Molecular consequence: 3 prime UTR variant.
Genome position (GRCh38, 1-based): chr1:40,072,786, C>T on the plus strand (G>A on the coding strand, the complement: PPT1 is on the minus strand). VCF-style: chr1-40072786-C-T. GRCh37 (hg19) VCF-style: chr1-40538458-C-T.
Other names: c.*1275G>A (NM_001142604.2, NM_001363695.2).
Identifiers: ClinVar variation 297215 (VCV000297215.6), dbSNP rs12061777, ClinGen allele CA10610984.
Genomic context (GRCh38, chr1:40,072,786, plus strand): 5'-TTATTTTAGACAACCTCATAAAATTATTTTCACATCCCCCCCAACTTCTTGCTCTTAATC[C>T]TCATCTTTTAGTTGAAGAATAAGGCTTAAGAGAGAGAAAGGAAAAACCATAATGGCTAAA-3'

ClinVar aggregate classification (germline): Benign. Review status: criteria provided, multiple submitters, no conflicts (2 of 4 stars). 2 submissions from 2 submitters: Benign (2). Last evaluated 2018-01-13.

Conditions:
Neuronal ceroid lipofuscinosis 1 (CLN1). Also called: CEROID LIPOFUSCINOSIS, NEURONAL, 1, VARIABLE AGE AT ONSET; PPT1-Related Neuronal Ceroid-Lipofuscinosis. Identifiers: Orphanet 228329, MedGen C1850451, MONDO:0009744, OMIM 256730.

Allele frequency attached by ClinVar (database versions not stated): gnomAD 0.03197 and 0.03316; TOPMed 0.03773; 1000 Genomes Project 0.04393; 1000 Genomes Project 30x 0.04544.

Submissions (2):

Illumina Laboratory Services, Illumina
Classification: Benign for Neuronal ceroid lipofuscinosis 1. Last evaluated: 2018-01-13. Review status: criteria provided, single submitter. Criteria: ICSL Variant Classification Criteria 13 December 2019. Collection method: clinical testing. Allele origin: germline.
Comment: This variant was observed in the ICSL laboratory as part of a predisposition screen in an ostensibly healthy population. It had not been previously curated by ICSL or reported in the Human Gene Mutation Database (HGMD: prior to June 1st, 2018), and was therefore a candidate for classification through an automated scoring system. Utilizing variant allele frequency, disease prevalence and penetrance estimates, and inheritance mode, an automated score was calculated to assess if this variant is too frequent to cause the disease. Based on the score and internal cut-off values, a variant classified as benign is not then subjected to further curation. The score for this variant resulted in a classification of benign for this disease.

Breakthrough Genomics
Classification: Benign. Review status: criteria provided, single submitter. Criteria: ACMG Guidelines, 2015. Collection method: not provided. Allele origin: germline. Inheritance: Autosomal recessive inheritance. Affected: yes.